The following is an entry in ClinVar:

ClinVar aggregate classification (germline): Uncertain significance (1 of 4 stars; one submission).

Conditions:
Tuberous sclerosis 1 (TSC1). Identifiers: Orphanet 805, MedGen C1854465, MONDO:0008612, OMIM 191100.

Submission:

Labcorp Genetics (formerly Invitae), Labcorp
Classification: Uncertain significance for Tuberous sclerosis 1. Last evaluated: 2026-01-07. Review status: criteria provided, single submitter. Criteria: Invitae Variant Classification Sherloc (09022015). Collection method: clinical testing. Allele origin: germline.
Comment: This sequence change replaces proline, which is neutral and non-polar, with alanine, which is neutral and non-polar, at codon 591 of the TSC1 protein (p.Pro591Ala). This variant is not present in population databases (gnomAD no frequency). This variant has not been reported in the literature in individuals affected with TSC1-related conditions. Invitae Evidence Modeling of protein sequence and biophysical properties (such as structural, functional, and spatial information, amino acid conservation, physicochemical variation, residue mobility, and thermodynamic stability) indicates that this missense variant is not expected to disrupt TSC1 protein function with a negative predictive value of 95%. In summary, the available evidence is currently insufficient to determine the role of this variant in disease. Therefore, it has been classified as a Variant of Uncertain Significance.

NM_000368.5(TSC1):c.1771C>G (p.Pro591Ala)

Gene: TSC1 (TSC complex subunit 1; minus strand). Cytogenetic location: 9q34.13.
Variant type: single nucleotide variant.
Coding change: c.1771C>G on transcript NM_000368.5 (MANE Select); coding-DNA position 1771, C replaced by G.
Protein change: p.Pro591Ala; replaces proline 591 with alanine.
Molecular consequence: missense variant. On other transcripts: non-coding transcript variant (5).
Genome position (GRCh38, 1-based): chr9:132,905,807, G>C on the plus strand (C>G on the coding strand, the complement: TSC1 is on the minus strand). VCF-style: chr9-132905807-G-C. GRCh37 (hg19) VCF-style: chr9-135781194-G-C.
Other names: c.1618C>G, p.Pro540Ala (NM_001162427.2, NM_001406610.1); c.1408C>G, p.Pro470Ala (NM_001362177.2, NM_001406614.1, NM_001406615.1 and 5 more transcripts); c.1771C>G, p.Pro591Ala (NM_001406592.1, NM_001406593.1, NM_001406594.1 and 7 more transcripts); c.1768C>G, p.Pro590Ala (NM_001406597.1, NM_001406598.1, NM_001406599.1 and 6 more transcripts); c.1615C>G, p.Pro539Ala (NM_001406611.1, NM_001406612.1, NM_001406613.1); c.820C>G, p.Pro274Ala (NM_001406626.1); c.817C>G, p.Pro273Ala (NM_001406627.1, NM_001406628.1); c.718C>G, p.Pro240Ala (NM_001406629.1, NM_001406630.1); and 1 more; short protein forms P240A, P273A, P274A, P469A, P470A, P539A, P540A, P590A.
Identifiers: ClinVar variation 4811533 (VCV004811533.1).
Genomic context (GRCh38, chr9:132,905,807, plus strand): 5'-CCACCTCAAAAAGATGATCATACGGGGGAGGCTGCCCGCTTCCAAAGCCCACTCTCGTCG[G>C]AGGTGGAATTTTACAAGGACTGGGAGTGAAGATACTGGTCTCCAAAGAAGTCTGGCATTC-3'
Protein context (NP_000359.1, residues 581-601): FTPSPCKIPP[Pro591Ala]TRVGFGSGQP